The following is an entry in ClinVar:

ClinVar aggregate classification (germline): Benign (0 of 4 stars; one submission).

Conditions:
ZFHX3-related disorder. Also called: ZFHX3-related condition.

Submission:

PreventionGenetics, part of Exact Sciences
Classification: Benign for ZFHX3-related condition. Last evaluated: 2019-11-16. Review status: no assertion criteria provided. Collection method: clinical testing. Allele origin: germline.
Comment: This variant is classified as benign based on ACMG/AMP sequence variant interpretation guidelines (Richards et al. 2015 PMID: 25741868, with internal and published modifications).

NM_006885.4(ZFHX3):c.10127AGC[6] (p.Gln3380_Arg3381insGln)

Genes: ZFHX3 (zinc finger homeobox 3; minus strand), ZFHX3-AS1 (ZFHX3 antisense RNA 1; plus strand). Cytogenetic location: 16q22.2.
Variant type: Microsatellite.
Coding change: c.10127AGC[6] on transcript NM_006885.4 (MANE Select); six copies in a row of the 3-base unit AGC starting at c.10127; the reference has five copies in a row; one copy, 3 bases duplicated.
Protein change: p.Gln3380_Arg3381insGln.
Genome position (GRCh38, 1-based): chr16:72,788,135-72,788,137, GCT duplicated on the plus strand (AGC on the coding strand, the reverse complement: ZFHX3 is on the minus strand); duplicating any 3 consecutive bases within chr16:72,788,135-72,788,150 gives the same sequence; the position shown is the placement nearest the transcript's 3' end. VCF-style (leftmost placement, unchanged base first): chr16-72788134-C-CGCT. GRCh37 (hg19) VCF-style: chr16-72822033-C-CGCT.
Other names: c.7385AGC[6], p.Gln2466_Arg2467insGln (NM_001164766.2); c.10127AGC[6], p.Gln3380_Arg3381insGln (NM_001386735.1).
Identifiers: ClinVar variation 3034188 (VCV003034188.2), dbSNP rs372741038, ClinGen allele CA8162638.